The following is an entry in ClinVar:

ClinVar aggregate classification (germline): Uncertain significance (1 of 4 stars; one submission).

gnomAD v4.1: 3 of 1,614,138 alleles (0.00019%); highest among the groups gnomAD compares: South Asian, 0.0011%; no homozygotes.

Submission:

Labcorp Genetics (formerly Invitae), Labcorp
Classification: Uncertain significance. Last evaluated: 2022-08-24. Review status: criteria provided, single submitter. Criteria: Invitae Variant Classification Sherloc (09022015). Collection method: clinical testing. Allele origin: germline.
Comment: In summary, the available evidence is currently insufficient to determine the role of this variant in disease. Therefore, it has been classified as a Variant of Uncertain Significance. Advanced modeling of protein sequence and biophysical properties (such as structural, functional, and spatial information, amino acid conservation, physicochemical variation, residue mobility, and thermodynamic stability) performed at Invitae indicates that this missense variant is not expected to disrupt GRIN2D protein function. This variant has not been reported in the literature in individuals affected with GRIN2D-related conditions. This variant is not present in population databases (gnomAD no frequency). This sequence change replaces glycine, which is neutral and non-polar, with serine, which is neutral and polar, at codon 210 of the GRIN2D protein (p.Gly210Ser).

NM_000836.4(GRIN2D):c.628G>A (p.Gly210Ser)

Gene: GRIN2D (glutamate ionotropic receptor NMDA type subunit 2D; plus strand). Cytogenetic location: 19q13.33.
Variant type: single nucleotide variant.
Coding change: c.628G>A on transcript NM_000836.4 (MANE Select); coding-DNA position 628, G replaced by A.
Protein change: p.Gly210Ser; replaces glycine 210 with serine.
Molecular consequence: missense variant.
Genome position (GRCh38, 1-based): chr19:48,404,896, G>A. VCF-style: chr19-48404896-G-A. GRCh37 (hg19) VCF-style: chr19-48908153-G-A.
Other names: short protein forms G210S.
Identifiers: ClinVar variation 2127029 (VCV002127029.4), dbSNP rs77698773, ClinGen allele CA9550358.